The following is an entry in ClinVar:

ClinVar aggregate classification (germline): Uncertain significance (1 of 4 stars; one submission).

Conditions:
Developmental and epileptic encephalopathy, 25 (DEE25). Also called: Developmental and epileptic encephalopathy 25, with amelogenesis imperfecta; Epileptic encephalopathy, early infantile, 25, with amelogenesis imperfecta; Epileptic encephalopathy, early infantile, 25. Identifiers: Orphanet 442835, MedGen C4014621, MONDO:0014392, OMIM 615905.

gnomAD v4.1: 1 of 1,614,206 alleles (0.000062%); highest among the groups gnomAD compares: East Asian, 0.0022%; no homozygotes.

Submission:

Labcorp Genetics (formerly Invitae), Labcorp
Classification: Uncertain significance for Developmental and epileptic encephalopathy, 25. Last evaluated: 2019-06-04. Review status: criteria provided, single submitter. Criteria: Invitae Variant Classification Sherloc (09022015). Collection method: clinical testing. Allele origin: germline.
Comment: In summary, the available evidence is currently insufficient to determine the role of this variant in disease. Therefore, it has been classified as a Variant of Uncertain Significance. Algorithms developed to predict the effect of missense changes on protein structure and function are either unavailable or do not agree on the potential impact of this missense change (SIFT: "Deleterious"; PolyPhen-2: "Probably Damaging"; Align-GVGD: "Class C0"). This variant has not been reported in the literature in individuals with SLC13A5-related conditions. This variant is not present in population databases (ExAC no frequency). This sequence change replaces aspartic acid with tyrosine at codon 334 of the SLC13A5 protein (p.Asp334Tyr). The aspartic acid residue is moderately conserved and there is a large physicochemical difference between aspartic acid and tyrosine.

NM_177550.5(SLC13A5):c.1000G>T (p.Asp334Tyr)

Gene: SLC13A5 (solute carrier family 13 member 5; minus strand). Cytogenetic location: 17p13.1.
Variant type: single nucleotide variant.
Coding change: c.1000G>T on transcript NM_177550.5 (MANE Select); coding-DNA position 1000, G replaced by T.
Protein change: p.Asp334Tyr; replaces aspartic acid 334 with tyrosine.
Molecular consequence: missense variant.
Genome position (GRCh38, 1-based): chr17:6,695,781, C>A on the plus strand (G>T on the coding strand, the complement: SLC13A5 is on the minus strand). VCF-style: chr17-6695781-C-A. GRCh37 (hg19) VCF-style: chr17-6599100-C-A.
Other names: c.1000G>T, p.Asp334Tyr (NM_001143838.3); c.949G>T, p.Asp317Tyr (NM_001284509.2); c.871G>T, p.Asp291Tyr (NM_001284510.2); short protein forms D317Y, D334Y, D291Y.
Identifiers: ClinVar variation 948672 (VCV000948672.10), dbSNP rs1183731879, ClinGen allele CA397743938.